The following is an entry in ClinVar:

NM_153046.3(TDRD9):c.2688A>G (p.Thr896=)

Gene: TDRD9 (tudor domain containing 9; plus strand). Cytogenetic location: 14q32.33.
Variant type: single nucleotide variant.
Coding change: c.2688A>G on transcript NM_153046.3 (MANE Select); coding-DNA position 2688, A replaced by G.
Protein change: p.Thr896=; no amino-acid change (threonine 896 retained).
Molecular consequence: synonymous variant.
Genome position (GRCh38, 1-based): chr14:104,024,650, A>G. VCF-style: chr14-104024650-A-G. GRCh37 (hg19) VCF-style: chr14-104490987-A-G.
Identifiers: ClinVar variation 2644593 (VCV002644593.24), dbSNP rs559335049, ClinGen allele CA7368916.

ClinVar aggregate classification (germline): Likely benign (1 of 4 stars; one submission).

Allele frequency attached by ClinVar (database versions not stated): gnomAD exomes 0.00002; TOPMed 0.00002; gnomAD 0.00003; ExAC 0.00007; 1000 Genomes Project 0.00020; 1000 Genomes Project 30x 0.00031.
gnomAD v4.1: 30 of 1,610,560 alleles (0.0019%); highest among the groups gnomAD compares: Admixed American, 0.027%; no homozygotes.

Submission:

CeGaT Center for Human Genetics Tuebingen
Classification: Likely benign. Last evaluated: 2022-11-01. Review status: criteria provided, single submitter. Criteria: CeGaT Center For Human Genetics Tuebingen Variant Classification Criteria Version 2. Collection method: clinical testing. Allele origin: germline. Affected: yes. Observed: 1 variant allele.
Comment: TDRD9: BP4, BP7